The following is an entry in ClinVar:

ClinVar aggregate classification (germline): Uncertain significance (1 of 4 stars; one submission).

Conditions:
Charcot-Marie-Tooth disease type 4. Also called: Charcot-Marie-Tooth disease, type IV; Charcot-Marie-Tooth, Type 4. Identifiers: Orphanet 64749, MedGen C4082197, MONDO:0018995.

Allele frequency attached by ClinVar (database versions not stated): TOPMed below 0.00001.
gnomAD v4.1: 1 of 1,612,972 alleles (0.000062%); highest among the groups gnomAD compares: Non-Finnish European, 0.000085%; no homozygotes.

Submission:

Labcorp Genetics (formerly Invitae), Labcorp
Classification: Uncertain significance for Charcot-Marie-Tooth disease type 4. Last evaluated: 2022-07-26. Review status: criteria provided, single submitter. Criteria: Invitae Variant Classification Sherloc (09022015). Collection method: clinical testing. Allele origin: germline.
Comment: This sequence change replaces histidine, which is basic and polar, with tyrosine, which is neutral and polar, at codon 32 of the MTMR2 protein (p.His32Tyr). This variant is not present in population databases (gnomAD no frequency). This variant has not been reported in the literature in individuals affected with MTMR2-related conditions. ClinVar contains an entry for this variant (Variation ID: 649104). Algorithms developed to predict the effect of missense changes on protein structure and function (SIFT, PolyPhen-2, Align-GVGD) all suggest that this variant is likely to be tolerated. In summary, the available evidence is currently insufficient to determine the role of this variant in disease. Therefore, it has been classified as a Variant of Uncertain Significance.

NM_016156.6(MTMR2):c.94C>T (p.His32Tyr)

Gene: MTMR2 (myotubularin related protein 2; minus strand). Cytogenetic location: 11q21.
Variant type: single nucleotide variant.
Coding change: c.94C>T on transcript NM_016156.6 (MANE Select); coding-DNA position 94, C replaced by T.
Protein change: p.His32Tyr; replaces histidine 32 with tyrosine.
Molecular consequence: missense variant. On other transcripts: 5 prime UTR variant (3).
Genome position (GRCh38, 1-based): chr11:95,888,248, G>A on the plus strand (C>T on the coding strand, the complement: MTMR2 is on the minus strand). VCF-style: chr11-95888248-G-A. GRCh37 (hg19) VCF-style: chr11-95621412-G-A.
Other names: c.-319C>T (NM_001243571.2); c.-246C>T (NM_201278.3); c.-123C>T (NM_201281.3); short protein forms H32Y.
Identifiers: ClinVar variation 649104 (VCV000649104.8), dbSNP rs1591025020, ClinGen allele CA382406521.
Genomic context (GRCh38, chr11:95,888,248, plus strand): 5'-TTGAAATGGAATCTGATGATACAACAGAAGCTGATTTTGTATGCACTGAATTCTCTGAAT[G>A]AGAAGTGGAGGCACTACAAAATACAAAAGTACAGTATGTTGGAAAAATGGGGGCTTCAAA-3'
Protein context (NP_057240.3, residues 22-42): VDSLSSASTS[His32Tyr]SENSVHTKSA